The following is an entry in ClinVar:

ClinVar aggregate classification (germline): Likely benign. Review status: criteria provided, single submitter (1 of 4 stars). 2 submissions from 2 submitters: Likely benign (1). 1 of the submissions does not count toward it. Last evaluated 2022-12-25.

Conditions:
P3H1-related disorder. Also called: P3H1-related condition.
Osteogenesis imperfecta type 8 (OI8). Identifiers: MedGen C1970458, MONDO:0012581, OMIM 610915.

Allele frequency attached by ClinVar (database versions not stated): ExAC 0.00001; gnomAD exomes 0.00001; gnomAD 0.00003 and 0.00004; TOPMed 0.00004.
gnomAD v4.1: 6 of 1,608,158 alleles (0.00037%); highest among the groups gnomAD compares: African/African-American, 0.008%; no homozygotes.

Submissions (2):

Labcorp Genetics (formerly Invitae), Labcorp
Classification: Likely benign for Osteogenesis imperfecta type 8. Last evaluated: 2022-12-25. Review status: criteria provided, single submitter. Criteria: Invitae Variant Classification Sherloc (09022015). Collection method: clinical testing. Allele origin: germline.

PreventionGenetics, part of Exact Sciences
Classification: Likely benign for P3H1-related condition. Last evaluated: 2020-10-14. Review status: no assertion criteria provided. Collection method: clinical testing. Allele origin: germline. Not counted in ClinVar's aggregate classification.
Comment: This variant is classified as likely benign based on ACMG/AMP sequence variant interpretation guidelines (Richards et al. 2015 PMID: 25741868, with internal and published modifications).

NM_022356.4(P3H1):c.1081-9T>C

Gene: P3H1 (prolyl 3-hydroxylase 1; minus strand). Cytogenetic location: 1p34.2.
Variant type: single nucleotide variant.
Coding change: c.1081-9T>C on transcript NM_022356.4 (MANE Select); 9 bases into the intron before coding-DNA position 1081, T replaced by C.
Molecular consequence: intron variant.
Genome position (GRCh38, 1-based): chr1:42,755,646, A>G on the plus strand (T>C on the coding strand, the complement: P3H1 is on the minus strand). VCF-style: chr1-42755646-A-G. GRCh37 (hg19) VCF-style: chr1-43221317-A-G.
Other names: c.1081-9T>C (NM_001146289.2, NM_001243246.2).
Identifiers: ClinVar variation 760869 (VCV000760869.11), dbSNP rs778680764, ClinGen allele CA801973.